The following is an entry in ClinVar:

NM_000307.5(POU3F4):c.577G>T (p.Glu193Ter)

Gene: POU3F4 (POU class 3 homeobox 4; plus strand). Cytogenetic location: Xq21.1.
Variant type: single nucleotide variant.
Coding change: c.577G>T on transcript NM_000307.5 (MANE Select); coding-DNA position 577, G replaced by T.
Protein change: p.Glu193Ter; replaces glutamic acid 193 with a stop codon.
Molecular consequence: nonsense.
Genome position (GRCh38, 1-based): chrX:83,508,901, G>T. VCF-style: chrX-83508901-G-T. GRCh37 (hg19) VCF-style: chrX-82763909-G-T.
Other names: short protein forms E193*.
Identifiers: ClinVar variation 3601665 (VCV003601665.1).
Genomic context (GRCh38, chrX:83,508,901, plus strand): 5'-GGCGAACTGGGCTCGCACCATTGCCAGGATCACTCCGACGAGGAGACGCCAACCTCTGAT[G>T]AGTTGGAACAGTTCGCCAAACAATTCAAACAAAGAAGAATCAAGTTGGGCTTCACGCAGG-3'

ClinVar aggregate classification (germline): Pathogenic (1 of 4 stars; one submission).

Conditions:
X-linked mixed hearing loss with perilymphatic gusher. Also called: Deafness, X-linked 2; NANCE DEAFNESS; PERILYMPHATIC GUSHER-DEAFNESS SYNDROME; SENSORINEURAL DEAFNESS, PROFOUND, WITH OR WITHOUT A CONDUCTIVE COMPONENT, ASSOCIATED WITH A UNIQUE DEVELOPMENTAL ABNORMALITY OF THE EAR; Gusher syndrome. Identifiers: Orphanet 383, MedGen C1844678, MONDO:0010576, OMIM 304400.

Submission:

Institute of Rare Diseases, West China Hospital, Sichuan University
Classification: Pathogenic for X-linked mixed hearing loss with perilymphatic gusher. Last evaluated: 2025-01-09. Review status: criteria provided, single submitter. Criteria: ClinGen HL ACMG Specifications v1. Collection method: research. Allele origin: germline. Affected: yes.
Comment: PM1;PVS1;PM3_Supporting;PM2_Supporting